The following is an entry in ClinVar:

NM_032638.5(GATA2):c.1166_1183del (p.Lys389_Gln394del)

Gene: GATA2 (GATA binding protein 2; minus strand). Cytogenetic location: 3q21.3.
Variant type: Deletion.
Coding change: c.1166_1183del on transcript NM_032638.5 (MANE Select); coding-DNA positions 1166 to 1183, 18 bases deleted (AGAAGGAAGGGATCCAGA).
Protein change: p.Lys389_Gln394del.
Molecular consequence: inframe deletion. On other transcripts: inframe indel (1).
Genome position (GRCh38, 1-based): chr3:128,481,279-128,481,296, TCTGGATCCCTTCCTTCT deleted on the plus strand (AGAAGGAAGGGATCCAGA on the coding strand, the reverse complement: GATA2 is on the minus strand); deleting any 18 consecutive bases within chr3:128,481,279-128,481,298 gives the same sequence; the c. name uses the placement nearest the transcript's 3' end. VCF-style (leftmost placement, unchanged base first): chr3-128481278-GTCTGGATCCCTTCCTTCT-G. GRCh37 (hg19) VCF-style: chr3-128200121-GTCTGGATCCCTTCCTTCT-G.
Other names: c.1166_1183del18 (NM_032638.4); c.1166_1183del, p.Lys389_Gln394del (NM_001145661.2); c.1124_1141del, p.Lys375_Gln380del (NM_001145662.1).
Identifiers: ClinVar variation 4620613 (VCV004620613.1).

ClinVar aggregate classification (germline): Uncertain significance (1 of 4 stars; one submission).

Conditions:
Inborn genetic diseases. Identifiers: MedGen C0950123, MeSH D030342.

Submission:

Ambry Genetics
Classification: Uncertain significance for Inborn genetic diseases. Last evaluated: 2025-09-15. Review status: criteria provided, single submitter. Criteria: Ambry Variant Classification Scheme 2023. Collection method: clinical testing. Allele origin: germline.
Comment: The c.1166_1183del18 variant (also known as p.K389_Q394del) is located in coding exon 5 of the GATA2 gene. This variant results from an in-frame AGAAGGAAGGGATCCAGA deletion at nucleotide positions 1166 to 1183. This results in the in-frame deletion of 6 amino acids at codons 389 to 394. This amino acid region is highly conserved in available vertebrate species. In addition, this variant is predicted to be deleterious by in silico analysis (Choi Y et al. PLoS ONE. 2012; 7(10):e46688). Based on the available evidence, the clinical significance of this variant remains unclear.